The following is an entry in ClinVar:

ClinVar aggregate classification (germline): Conflicting classifications of pathogenicity. Review status: criteria provided, conflicting classifications (1 of 4 stars). 3 submissions from 3 submitters: Uncertain significance (1); Likely benign (2). Last evaluated 2025-12-19.

Conditions:
Hereditary cancer-predisposing syndrome. Also called: Neoplastic Syndromes, Hereditary; Tumor predisposition; Hereditary Cancer Syndrome; Hereditary neoplastic syndrome. Identifiers: Orphanet 140162, MedGen C0027672, MeSH D009386, MONDO:0015356.
Hereditary breast ovarian cancer syndrome. Also called: Hereditary breast and ovarian cancer syndrome; Breast and ovarian cancer; Hereditary breast and ovarian cancer; Hereditary breast and/or ovarian cancer syndrome; BRCA1- and BRCA2-Associated Hereditary Breast and Ovarian Cancer; Hereditary breast and ovarian cancer syndrome (HBOC). Identifiers: Orphanet 145, MedGen C0677776, MeSH D061325, MONDO:0003582. Disease mechanism: loss of function.

Submissions (3):

Ambry Genetics
Classification: Likely benign for Hereditary cancer-predisposing syndrome. Last evaluated: 2025-12-19. Review status: criteria provided, single submitter. Criteria: Ambry Variant Classification Scheme 2023. Collection method: clinical testing. Allele origin: germline.

University of Washington Department of Laboratory Medicine, University of Washington
Classification: Likely benign for Hereditary cancer-predisposing syndrome. Last evaluated: 2023-03-23. Review status: criteria provided, single submitter. Criteria: Dines et al. (Genet Med. 2020). Collection method: curation. Allele origin: germline.
Comment: Missense variant in a coldspot region where missense variants are very unlikely to be pathogenic (PMID:31911673).

BRCA2 exon 11 coldspot. Reclassification based on statistical prior probability.

Labcorp Genetics (formerly Invitae), Labcorp
Classification: Uncertain significance for Hereditary breast ovarian cancer syndrome. Last evaluated: 2022-03-20. Review status: criteria provided, single submitter. Criteria: Invitae Variant Classification Sherloc (09022015). Collection method: clinical testing. Allele origin: germline.
Comment: In summary, the available evidence is currently insufficient to determine the role of this variant in disease. Therefore, it has been classified as a Variant of Uncertain Significance. Advanced modeling of protein sequence and biophysical properties (such as structural, functional, and spatial information, amino acid conservation, physicochemical variation, residue mobility, and thermodynamic stability) performed at Invitae indicates that this missense variant is not expected to disrupt BRCA2 protein function. This variant has not been reported in the literature in individuals affected with BRCA2-related conditions. This variant is not present in population databases (gnomAD no frequency). This sequence change replaces aspartic acid, which is acidic and polar, with histidine, which is basic and polar, at codon 974 of the BRCA2 protein (p.Asp974His).

NM_000059.4(BRCA2):c.2920G>C (p.Asp974His)

Gene: BRCA2 (BRCA2 DNA repair associated; plus strand). Cytogenetic location: 13q13.1.
Variant type: single nucleotide variant.
Coding change: c.2920G>C on transcript NM_000059.4 (MANE Select); coding-DNA position 2920, G replaced by C.
Protein change: p.Asp974His; replaces aspartic acid 974 with histidine.
Molecular consequence: missense variant.
Genome position (GRCh38, 1-based): chr13:32,337,275, G>C. VCF-style: chr13-32337275-G-C. GRCh37 (hg19) VCF-style: chr13-32911412-G-C.
Other names: c.2920G>C, p.Asp974His (NM_001406719.1, NM_001406720.1); short protein forms D974H.
Identifiers: ClinVar variation 2115416 (VCV002115416.7), dbSNP rs539613324, ClinGen allele CA387774207.